The following is an entry in ClinVar:

NM_001754.5(RUNX1):c.903C>T (p.Pro301=)

Gene: RUNX1 (RUNX family transcription factor 1; minus strand). Cytogenetic location: 21q22.12.
Variant type: single nucleotide variant.
Coding change: c.903C>T on transcript NM_001754.5 (MANE Select); coding-DNA position 903, C replaced by T.
Protein change: p.Pro301=; no amino-acid change (proline 301 retained).
Molecular consequence: synonymous variant.
Genome position (GRCh38, 1-based): chr21:34,799,365, G>A on the plus strand (C>T on the coding strand, the complement: RUNX1 is on the minus strand). VCF-style: chr21-34799365-G-A. GRCh37 (hg19) VCF-style: chr21-36171662-G-A.
Other names: NM_001754.5(RUNX1):c.903C>T; p.Pro301=; c.822C>T, p.Pro274= (NM_001001890.3).
Identifiers: ClinVar variation 2847389 (VCV002847389.4), dbSNP rs2056576027, ClinGen allele CA512232222.

ClinVar aggregate classification (germline): Likely benign. Review status: reviewed by expert panel (3 of 4 stars). 2 submissions from 2 submitters: Likely benign (1). 1 of the submissions does not count toward it. Last evaluated 2024-09-18.

Conditions:
Hereditary thrombocytopenia and hematological cancer predisposition syndrome associated with RUNX1. Also called: Familial Platelet Disorder with Propensity to Acute Myelogenous Leukemia; Familial thrombocytopenia with propensity to acute myelogenous leukemia; PLATELET DISORDER, ASPIRIN-LIKE; RUNX1 Familial Platelet Disorder with Associated Myeloid Malignancies. Identifiers: Orphanet 71290, MedGen C1832388, MeSH C563324, MONDO:0100083, OMIM 601399.
Hereditary thrombocytopenia and hematologic cancer predisposition syndrome. Identifiers: Orphanet 71290, MedGen CN281654, MONDO:0011071.

Submissions (2):

ClinGen Myeloid Malignancy Variant Curation Expert Panel
Classification: Likely benign for Hereditary thrombocytopenia and hematologic cancer predisposition syndrome. Last evaluated: 2024-09-18. Review status: reviewed by expert panel. Criteria: ClinGen MyeloMalig ACMG Specifications v2. Collection method: curation. Allele origin: germline. Inheritance: Autosomal dominant inheritance.
Comment: NM_001754.5(RUNX1):c.903C>T (p.Pro301=) is a synonymous variant which has a SpliceAI score ≤ 0.20 (0.0) (BP4). This variant has a SpliceAI score ≤ 0.20 (0.0) and evolutionary conservation prediction algorithms predict the site as not being conserved (PhyloP score ≤ 2.0 (0.05) (BP7). This variant is completely absent from all population databases with at least 20x coverage for RUNX1 (PM2_Supporting). In summary, this variant meets criteria to be classified as likely benign. ACMG/AMP criteria applied, as specified by the Myeloid Malignancy Variant Curation Expert Panel for RUNX1: BP4, BP7, PM2_supporting.

Labcorp Genetics (formerly Invitae), Labcorp
Classification: Likely benign for Hereditary thrombocytopenia and hematological cancer predisposition syndrome associated with RUNX1. Last evaluated: 2023-10-10. Review status: criteria provided, single submitter. Criteria: Invitae Variant Classification Sherloc (09022015). Collection method: clinical testing. Allele origin: germline. Not counted in ClinVar's aggregate classification.